The following is an entry in ClinVar:

NM_001352514.2(HLCS):c.1954G>C (p.Gly652Arg)

Gene: HLCS (holocarboxylase synthetase; minus strand). Cytogenetic location: 21q22.13.
Variant type: single nucleotide variant.
Coding change: c.1954G>C on transcript NM_001352514.2 (MANE Select); coding-DNA position 1954, G replaced by C.
Protein change: p.Gly652Arg; replaces glycine 652 with arginine.
Molecular consequence: missense variant. On other transcripts: non-coding transcript variant (2).
Genome position (GRCh38, 1-based): chr21:36,767,224, C>G on the plus strand (G>C on the coding strand, the complement: HLCS is on the minus strand). VCF-style: chr21-36767224-C-G. GRCh37 (hg19) VCF-style: chr21-38139525-C-G.
Other names: c.1513G>C, p.Gly505Arg (NM_000411.8, NM_001242784.3, NM_001242785.2 and 4 more transcripts); short protein forms G505R, G652R.
Identifiers: ClinVar variation 529440 (VCV000529440.6), dbSNP rs1555885056, ClinGen allele CA409921745.

ClinVar aggregate classification (germline): Conflicting classifications of pathogenicity. Review status: criteria provided, conflicting classifications (1 of 4 stars). 4 submissions from 4 submitters: Likely pathogenic (1); Uncertain significance (2). 1 of the submissions does not count toward it. Last evaluated 2026-04-08.

Conditions:
Holocarboxylase synthetase deficiency. Also called: MULTIPLE CARBOXYLASE DEFICIENCY, EARLY ONSET. Identifiers: Orphanet 79242, MedGen C0268581, MONDO:0009666, OMIM 253270.

gnomAD v4.1: 1 of 1,614,126 alleles (0.000062%); highest among the groups gnomAD compares: East Asian, 0.0022%; no homozygotes.

Submissions (4):

Myriad Genetics, Inc.
Classification: Uncertain significance for Holocarboxylase synthetase deficiency. Last evaluated: 2026-04-08. Review status: criteria provided, single submitter. Criteria: Myriad Autosomal Dominant, Autosomal Recessive and X-Linked Classification Criteria (2023). Collection method: clinical testing. Allele origin: unknown.
Comment: NM_000411.6(HLCS):c.1513G>C(G505R) is a missense variant classified as a variant of uncertain significance in the context of holocarboxylase synthetase deficiency. G505R has been observed in a case with relevant disease (PMID: 20095979). Relevant functional assessments of this variant are not available in the literature. G505R has not been observed in referenced population frequency databases. In summary, there is insufficient evidence to classify NM_000411.6(HLCS):c.1513G>C(G505R) as pathogenic or benign. Please note: this variant was assessed in the context of healthy population screening.

Baylor Genetics
Classification: Likely pathogenic for Holocarboxylase synthetase deficiency. Last evaluated: 2024-02-24. Review status: criteria provided, single submitter. Criteria: ACMG Guidelines, 2015. Collection method: clinical testing. Allele origin: unknown.

Labcorp Genetics (formerly Invitae), Labcorp
Classification: Uncertain significance for Holocarboxylase synthetase deficiency. Last evaluated: 2021-09-19. Review status: criteria provided, single submitter. Criteria: Invitae Variant Classification Sherloc (09022015). Collection method: clinical testing. Allele origin: germline.
Comment: This sequence change replaces glycine with arginine at codon 505 of the HLCS protein (p.Gly505Arg). The glycine residue is highly conserved and there is a moderate physicochemical difference between glycine and arginine. This variant is not present in population databases (ExAC no frequency). This missense change has been observed in individual(s) with holocarboxylase synthetase deficiency (PMID: 20095979; Invitae). Algorithms developed to predict the effect of missense changes on protein structure and function are either unavailable or do not agree on the potential impact of this missense change (SIFT: "Deleterious"; PolyPhen-2: "Probably Damaging"; Align-GVGD: "Class C15"). In summary, the available evidence is currently insufficient to determine the role of this variant in disease. Therefore, it has been classified as a Variant of Uncertain Significance.

Counsyl
Classification: Uncertain significance for Holocarboxylase synthetase deficiency. Last evaluated: 2017-09-12. Review status: no assertion criteria provided. Collection method: clinical testing. Allele origin: unknown. Not counted in ClinVar's aggregate classification.

Literature cited by the submitters: PubMed 20095979 (cited by 3 submitters).